The following is an entry in ClinVar:

ClinVar aggregate classification (germline): Likely benign (1 of 4 stars; one submission).

gnomAD v4.1: 11,582 of 1,613,622 alleles (0.72%); highest among the groups gnomAD compares: Non-Finnish European, 0.89%; 44 homozygotes.

Submission:

CeGaT Center for Human Genetics Tuebingen
Classification: Likely benign. Last evaluated: 2026-07-01. Review status: criteria provided, single submitter. Criteria: CeGaT Center For Human Genetics Tuebingen Variant Classification Criteria Version 2. Collection method: clinical testing. Allele origin: germline. Affected: yes. Observed: 1 variant allele.
Comment: MYOCD: BP4, BP7, BS2

NM_001146312.3(MYOCD):c.936A>G (p.Arg312=)

Gene: MYOCD (myocardin; plus strand). Cytogenetic location: 17p12.
Variant type: single nucleotide variant.
Coding change: c.936A>G on transcript NM_001146312.3 (MANE Select); coding-DNA position 936, A replaced by G.
Protein change: p.Arg312=; no amino-acid change (arginine 312 retained).
Molecular consequence: synonymous variant.
Genome position (GRCh38, 1-based): chr17:12,744,401, A>G. VCF-style: chr17-12744401-A-G. GRCh37 (hg19) VCF-style: chr17-12647718-A-G.
Other names: c.699A>G, p.Arg233= (NM_001378306.1); c.936A>G, p.Arg312= (NM_153604.4).
Identifiers: ClinVar variation 5038501 (VCV005038501.1).
Genomic context (GRCh38, chr17:12,744,401, plus strand): 5'-ACAGCAGCTGTTCCTGCAGCTCCAAATCCTCAGCCAGCAGCAGCAGCAGCAGCAACACCG[A>G]TTCAGCTACCTAGGGATGCACCAAGCTCAGCTTAAGTAAGTCCGGCAAGGCTGGGAGGGT-3'
Protein context (NP_001139784.1, residues 302-322): LSQQQQQQQH[Arg312=]FSYLGMHQAQ